The following is an entry in ClinVar:

ClinVar aggregate classification (germline): Uncertain significance (1 of 4 stars; one submission).

Conditions:
Menkes kinky-hair syndrome (MNK). Also called: Menkes Disease; Copper transport disease; Classic Menkes Disease. Identifiers: Orphanet 565, MedGen C0022716, MONDO:0010651, OMIM 309400.
Cutis laxa, X-linked (OHS). Also called: EDS IX; Occipital horn syndrome. Identifiers: Orphanet 198, MedGen C0268353, MONDO:0010572, OMIM 304150.
X-linked distal spinal muscular atrophy type 3. Also called: ATP7A-Related Distal Motor Neuropathy; NEURONOPATHY, DISTAL HEREDITARY MOTOR, X-LINKED; NEUROPATHY, DISTAL HEREDITARY MOTOR, X-LINKED; SPINAL MUSCULAR ATROPHY, DISTAL, X-LINKED RECESSIVE. Identifiers: Orphanet 139557, MedGen C1845359, MONDO:0010338, OMIM 300489.

Submission:

Labcorp Genetics (formerly Invitae), Labcorp
Classification: Uncertain significance for X-linked distal spinal muscular atrophy type 3; Cutis laxa, X-linked; Menkes kinky-hair syndrome. Last evaluated: 2021-08-26. Review status: criteria provided, single submitter. Criteria: Invitae Variant Classification Sherloc (09022015). Collection method: clinical testing. Allele origin: germline.
Comment: This sequence change replaces glutamic acid with alanine at codon 646 of the ATP7A protein (p.Glu646Ala). The glutamic acid residue is highly conserved and there is a moderate physicochemical difference between glutamic acid and alanine. This variant is not present in population databases (ExAC no frequency). This variant has not been reported in the literature in individuals affected with ATP7A-related conditions. Algorithms developed to predict the effect of missense changes on protein structure and function are either unavailable or do not agree on the potential impact of this missense change (SIFT: "Deleterious"; PolyPhen-2: "Probably Damaging"; Align-GVGD: "Class C0"). In summary, the available evidence is currently insufficient to determine the role of this variant in disease. Therefore, it has been classified as a Variant of Uncertain Significance.

NM_000052.7(ATP7A):c.1937A>C (p.Glu646Ala)

Gene: ATP7A (ATPase copper transporting alpha; plus strand). Cytogenetic location: Xq21.1.
Variant type: single nucleotide variant.
Coding change: c.1937A>C on transcript NM_000052.7 (MANE Select); coding-DNA position 1937, A replaced by C.
Protein change: p.Glu646Ala; replaces glutamic acid 646 with alanine.
Molecular consequence: missense variant.
Genome position (GRCh38, 1-based): chrX:78,011,243, A>C. VCF-style: chrX-78011243-A-C. GRCh37 (hg19) VCF-style: chrX-77266740-A-C.
Other names: c.1937A>C, p.Glu646Ala (NM_001282224.2); short protein forms E646A.
Identifiers: ClinVar variation 956039 (VCV000956039.7), dbSNP rs2077822914, ClinGen allele CA413598037.
Genomic context (GRCh38, chrX:78,011,243, plus strand): 5'-GTTTTGAAGCTTCTTTGGTCAAGAAGGATCGGTCAGCAAGTCACTTAGATCATAAACGAG[A>C]AATAAGACAGTAAGTACTTTGGAGTGTCAGTAAAAAACAGATTTTGACTCCTTATTACAA-3'
Protein context (NP_000043.4, residues 636-656): RSASHLDHKR[Glu646Ala]IRQWRRSFLV